The following is an entry in ClinVar:

ClinVar aggregate classification (germline): Uncertain significance (1 of 4 stars; one submission).

Conditions:
Combined immunodeficiency due to MALT1 deficiency. Also called: Immunodeficiency 12. Identifiers: Orphanet 397964, MedGen C3809583, MONDO:0014197, OMIM 615468.

Submission:

Labcorp Genetics (formerly Invitae), Labcorp
Classification: Uncertain significance for Combined immunodeficiency due to MALT1 deficiency. Last evaluated: 2021-10-05. Review status: criteria provided, single submitter. Criteria: Invitae Variant Classification Sherloc (09022015). Collection method: clinical testing. Allele origin: germline.
Comment: Algorithms developed to predict the effect of missense changes on protein structure and function output the following: SIFT: "Tolerated"; PolyPhen-2: "Benign"; Align-GVGD: "Class C0". The arginine amino acid residue is found in multiple mammalian species, which suggests that this missense change does not adversely affect protein function. In summary, the available evidence is currently insufficient to determine the role of this variant in disease. Therefore, it has been classified as a Variant of Uncertain Significance. This variant is not present in population databases (ExAC no frequency). This variant has not been reported in the literature in individuals affected with MALT1-related conditions. This sequence change replaces histidine with arginine at codon 115 of the MALT1 protein (p.His115Arg). The histidine residue is moderately conserved and there is a small physicochemical difference between histidine and arginine.

NM_006785.4(MALT1):c.344A>G (p.His115Arg)

Gene: MALT1 (MALT1 paracaspase; plus strand). Cytogenetic location: 18q21.32.
Variant type: single nucleotide variant.
Coding change: c.344A>G on transcript NM_006785.4 (MANE Select); coding-DNA position 344, A replaced by G.
Protein change: p.His115Arg; replaces histidine 115 with arginine.
Molecular consequence: missense variant.
Genome position (GRCh38, 1-based): chr18:58,681,304, A>G. VCF-style: chr18-58681304-A-G. GRCh37 (hg19) VCF-style: chr18-56348536-A-G.
Other names: c.344A>G, p.His115Arg (NM_173844.3); short protein forms H115R.
Identifiers: ClinVar variation 1382649 (VCV001382649.6), dbSNP rs2144311226, ClinGen allele CA402572328.